The following is an entry in ClinVar:

NM_032444.4(SLX4):c.1913A>C (p.Glu638Ala)

Gene: SLX4 (SLX4 structure-specific endonuclease subunit; minus strand). Cytogenetic location: 16p13.3.
Variant type: single nucleotide variant.
Coding change: c.1913A>C on transcript NM_032444.4 (MANE Select); coding-DNA position 1913, A replaced by C.
Protein change: p.Glu638Ala; replaces glutamic acid 638 with alanine.
Molecular consequence: missense variant.
Genome position (GRCh38, 1-based): chr16:3,596,164, T>G on the plus strand (A>C on the coding strand, the complement: SLX4 is on the minus strand). VCF-style: chr16-3596164-T-G. GRCh37 (hg19) VCF-style: chr16-3646165-T-G.
Other names: short protein forms E638A.
Identifiers: ClinVar variation 2201869 (VCV002201869.4), dbSNP rs1370998802, ClinGen allele CA394526914.

ClinVar aggregate classification (germline): Uncertain significance (1 of 4 stars; one submission).

Conditions:
Fanconi anemia (FA). Also called: Fanconi's anemia. Identifiers: Orphanet 84, MedGen C0015625, MeSH D005199, MONDO:0019391.

Allele frequency attached by ClinVar (database versions not stated): gnomAD exomes 0.00001.

Submission:

Labcorp Genetics (formerly Invitae), Labcorp
Classification: Uncertain significance for Fanconi anemia. Last evaluated: 2022-09-10. Review status: criteria provided, single submitter. Criteria: Invitae Variant Classification Sherloc (09022015). Collection method: clinical testing. Allele origin: germline.
Comment: This sequence change replaces glutamic acid, which is acidic and polar, with alanine, which is neutral and non-polar, at codon 638 of the SLX4 protein (p.Glu638Ala). This variant is present in population databases (no rsID available, gnomAD 0.01%). In summary, the available evidence is currently insufficient to determine the role of this variant in disease. Therefore, it has been classified as a Variant of Uncertain Significance. Algorithms developed to predict the effect of missense changes on protein structure and function (SIFT, PolyPhen-2, Align-GVGD) all suggest that this variant is likely to be tolerated. This variant has not been reported in the literature in individuals affected with SLX4-related conditions.